The following is an entry in ClinVar:

ClinVar aggregate classification (germline): Uncertain significance (1 of 4 stars; one submission).

Conditions:
Tuberous sclerosis 1 (TSC1). Identifiers: Orphanet 805, MedGen C1854465, MONDO:0008612, OMIM 191100.

Submission:

Labcorp Genetics (formerly Invitae), Labcorp
Classification: Uncertain significance for Tuberous sclerosis 1. Last evaluated: 2024-06-22. Review status: criteria provided, single submitter. Criteria: Invitae Variant Classification Sherloc (09022015). Collection method: clinical testing. Allele origin: germline.
Comment: This sequence change replaces threonine, which is neutral and polar, with isoleucine, which is neutral and non-polar, at codon 360 of the TSC1 protein (p.Thr360Ile). This variant is not present in population databases (gnomAD no frequency). This variant has not been reported in the literature in individuals affected with TSC1-related conditions. Advanced modeling of protein sequence and biophysical properties (such as structural, functional, and spatial information, amino acid conservation, physicochemical variation, residue mobility, and thermodynamic stability) performed at Invitae indicates that this missense variant is not expected to disrupt TSC1 protein function with a negative predictive value of 95%. In summary, the available evidence is currently insufficient to determine the role of this variant in disease. Therefore, it has been classified as a Variant of Uncertain Significance.

NM_000368.5(TSC1):c.1079C>T (p.Thr360Ile)

Gene: TSC1 (TSC complex subunit 1; minus strand). Cytogenetic location: 9q34.13.
Variant type: single nucleotide variant.
Coding change: c.1079C>T on transcript NM_000368.5 (MANE Select); coding-DNA position 1079, C replaced by T.
Protein change: p.Thr360Ile; replaces threonine 360 with isoleucine.
Molecular consequence: missense variant. On other transcripts: non-coding transcript variant (5).
Genome position (GRCh38, 1-based): chr9:132,911,064, G>A on the plus strand (C>T on the coding strand, the complement: TSC1 is on the minus strand). VCF-style: chr9-132911064-G-A. GRCh37 (hg19) VCF-style: chr9-135786451-G-A.
Other names: c.716C>T, p.Thr239Ile (NM_001406624.1, NM_001406625.1, NM_001362177.2 and 10 more transcripts); c.128C>T, p.Thr43Ile (NM_001406626.1, NM_001406627.1, NM_001406628.1); c.29C>T, p.Thr10Ile (NM_001406629.1, NM_001406630.1); c.1079C>T, p.Thr360Ile (NM_001406605.1, NM_001406606.1, NM_001406607.1 and 16 more transcripts); c.926C>T, p.Thr309Ile (NM_001406610.1, NM_001406611.1, NM_001406612.1 and 2 more transcripts); short protein forms T360I, T43I, T10I, T239I, T309I.
Identifiers: ClinVar variation 3657340 (VCV003657340.2).